The following is an entry in ClinVar:

ClinVar aggregate classification (germline): Uncertain significance (1 of 4 stars; one submission).

Allele frequency attached by ClinVar (database versions not stated): TOPMed 0.00001.

Submission:

GeneDx
Classification: Uncertain significance. Last evaluated: 2019-05-22. Review status: criteria provided, single submitter. Criteria: GeneDx Variant Classification Process June 2021. Collection method: clinical testing. Allele origin: germline. Affected: yes.
Comment: In silico analysis, which includes protein predictors and evolutionary conservation, supports a deleterious effect; Has not been previously published as pathogenic or benign to our knowledge

NM_201525.4(ADGRG1):c.268T>C (p.Phe90Leu)

Gene: ADGRG1 (adhesion G protein-coupled receptor G1; plus strand). Cytogenetic location: 16q21.
Variant type: single nucleotide variant.
Coding change: c.268T>C on transcript NM_201525.4 (MANE Select); coding-DNA position 268, T replaced by C.
Protein change: p.Phe90Leu; replaces phenylalanine 90 with leucine.
Molecular consequence: missense variant. On other transcripts: 5 prime UTR variant (5), intron variant (1).
Genome position (GRCh38, 1-based): chr16:57,651,403, T>C. VCF-style: chr16-57651403-T-C. GRCh37 (hg19) VCF-style: chr16-57685315-T-C.
Other names: c.268T>C, p.Phe90Leu (NM_001145770.3, NM_001145771.3, NM_001145772.3 and 16 more transcripts); c.283T>C, p.Phe95Leu (NM_001145773.3, NM_001370433.1); c.-258T>C (NM_001290143.2, NM_001290144.2, NM_001370451.1 and 2 more transcripts); c.112T>C, p.Phe38Leu (NM_001370442.1); c.110+158T>C (NM_001290142.2); short protein forms F38L, F90L, F95L.
Identifiers: ClinVar variation 1305910 (VCV001305910.2), dbSNP rs1317601100, ClinGen allele CA396042848.